The following is an entry in ClinVar:

NM_000295.5(SERPINA1):c.924C>T (p.Ala308=)

Gene: SERPINA1 (serpin family A member 1; minus strand). Cytogenetic location: 14q32.13.
Variant type: single nucleotide variant.
Coding change: c.924C>T on transcript NM_000295.5 (MANE Select); coding-DNA position 924, C replaced by T.
Protein change: p.Ala308=; no amino-acid change (alanine 308 retained).
Molecular consequence: synonymous variant.
Genome position (GRCh38, 1-based): chr14:94,379,605, G>A on the plus strand (C>T on the coding strand, the complement: SERPINA1 is on the minus strand). VCF-style: chr14-94379605-G-A. GRCh37 (hg19) VCF-style: chr14-94845942-G-A.
Other names: c.924C>T, p.Ala308= (NM_001002235.3, NM_001002236.3, NM_001127700.2 and 7 more transcripts).
Identifiers: ClinVar variation 289329 (VCV000289329.19), dbSNP rs138611390, ClinGen allele CA7327348.

ClinVar aggregate classification (germline): Conflicting classifications of pathogenicity. Review status: criteria provided, conflicting classifications (1 of 4 stars). 4 submissions from 4 submitters: Uncertain significance (1); Likely benign (2). 1 of the submissions does not count toward it. Last evaluated 2024-02-14.

Conditions:
SERPINA1-related disorder. Also called: SERPINA1-related condition; SerpinA1-related disorders.
Alpha-1-antitrypsin deficiency (A1ATD). Also called: AAT deficiency; A1AT deficiency; Alpha1-Antitrypsin Deficiency. Identifiers: Orphanet 60, MedGen C0221757, MONDO:0013282, OMIM 613490.
Inborn genetic diseases. Identifiers: MedGen C0950123, MeSH D030342.

Allele frequency attached by ClinVar (database versions not stated): gnomAD exomes 0.00004 and 0.00008; ExAC 0.00010; 1000 Genomes Project 0.00020; TOPMed 0.00029; 1000 Genomes Project 30x 0.00031; gnomAD 0.00031 and 0.00035; ESP Exome Variant Server 0.00038.
gnomAD v4.1: 101 of 1,614,174 alleles (0.0063%); highest among the groups gnomAD compares: African/African-American, 0.13%; no homozygotes.

Submissions (4):

Labcorp Genetics (formerly Invitae), Labcorp
Classification: Likely benign for Alpha-1-antitrypsin deficiency. Last evaluated: 2024-02-14. Review status: criteria provided, single submitter. Criteria: Invitae Variant Classification Sherloc (09022015). Collection method: clinical testing. Allele origin: germline.

Ambry Genetics
Classification: Likely benign for Inborn genetic diseases. Last evaluated: 2019-07-17. Review status: criteria provided, single submitter. Criteria: Ambry Variant Classification Scheme 2023. Collection method: clinical testing. Allele origin: germline.

Eurofins Ntd Llc (ga)
Classification: Uncertain significance. Last evaluated: 2016-08-05. Review status: criteria provided, single submitter. Criteria: EGL Classification Definitions 2015. Collection method: clinical testing. Allele origin: germline. Observed: 1 variant allele, 1 heterozygote.

PreventionGenetics, part of Exact Sciences
Classification: Likely benign for SERPINA1-related condition. Last evaluated: 2022-09-02. Review status: no assertion criteria provided. Collection method: clinical testing. Allele origin: germline. Not counted in ClinVar's aggregate classification.
Comment: This variant is classified as likely benign based on ACMG/AMP sequence variant interpretation guidelines (Richards et al. 2015 PMID: 25741868, with internal and published modifications).